The following is an entry in ClinVar:

ClinVar aggregate classification (germline): Benign/Likely benign. Review status: criteria provided, multiple submitters, no conflicts (2 of 4 stars). 16 submissions from 16 submitters: Benign (8); Likely benign (4). 4 of the submissions do not count toward it. Last evaluated 2026-02-03.

Conditions:
Hereditary cancer-predisposing syndrome. Also called: Tumor predisposition; Hereditary neoplastic syndrome; Neoplastic Syndromes, Hereditary; Hereditary Cancer Syndrome. Identifiers: Orphanet 140162, MedGen C0027672, MeSH D009386, MONDO:0015356.
Hereditary breast ovarian cancer syndrome. Also called: Hereditary breast and/or ovarian cancer syndrome; Hereditary breast and ovarian cancer syndrome; Hereditary breast and ovarian cancer syndrome (HBOC); Hereditary breast and ovarian cancer; Breast and ovarian cancer; BRCA1- and BRCA2-Associated Hereditary Breast and Ovarian Cancer. Identifiers: Orphanet 145, MedGen C0677776, MeSH D061325, MONDO:0003582. Disease mechanism: loss of function.
CHEK2-related cancer predisposition (TPDS4). Also called: TUMOR PREDISPOSITION SYNDROME 4; CANCER PREDISPOSITION SYNDROME, CHEK2-RELATED; CHEK2-related cancer susceptibility. Identifiers: Orphanet 524, MedGen C5882668, MONDO:0700271, OMIM 609265.
Familial cancer of breast. Also called: Hereditary breast cancer; BREAST CANCER, FAMILIAL; hereditary breast carcinoma. Identifiers: Orphanet 227535, MedGen C0346153, MONDO:0016419, OMIM 114480. Disease mechanism: loss of function.
Malignant tumor of breast. Also called: Malignant breast neoplasm; Cancer breast. Identifiers: MedGen C0006142, MONDO:0007254. Disease mechanism: loss of function.

Allele frequency attached by ClinVar (database versions not stated): ESP Exome Variant Server 0.00023; TOPMed 0.00077; 1000 Genomes Project 30x 0.00172; 1000 Genomes Project 0.00200; gnomAD 0.00235 and 0.00239; gnomAD exomes 0.00312; ExAC 0.00418.
gnomAD v4.1: 2,184 of 1,457,612 alleles (0.15%); highest among the groups gnomAD compares: East Asian, 1%; 24 homozygotes.

Submissions (16):

Labcorp Genetics (formerly Invitae), Labcorp
Classification: Benign for Familial cancer of breast. Last evaluated: 2026-02-03. Review status: criteria provided, single submitter. Criteria: Invitae Variant Classification Sherloc (09022015). Collection method: clinical testing. Allele origin: germline.

Center for Genomic Medicine, Rigshospitalet, Copenhagen University Hospital
Classification: Likely benign. Last evaluated: 2025-03-04. Review status: criteria provided, single submitter. Criteria: ACMG Guidelines, 2015. Collection method: clinical testing. Allele origin: germline.

Molecular Diagnostics Laboratory, Catalan Institute of Oncology
Classification: Likely benign for Hereditary cancer-predisposing syndrome. Last evaluated: 2025-02-03. Review status: criteria provided, single submitter. Criteria: ACMG Guidelines, 2015. Collection method: clinical testing. Allele origin: germline.
Comment: BS1, BP4 c.593-14C>T is an intronic variant located close to a canonical splice site. The variant allele was found in 130/16644 alleles, with a filter allele frequency of 0.63% at 99% confidence in the gnomAD v2.1.1 database (East Asian)(BS1). The SpliceAI algorithm predicts no significant impact on splicing (BP4). To our knowledge, neither clinical data nor functional studies have been reported for this variant It has been identified in the following databases, ClinVar (10x benign, 3x likely benign) and LOVD (4x benign). Based on currently available information, the variant c.593-14C>T is classified as a likely benign variant according to ACMG guidelines.

Blueprint Genetics
Classification: Likely benign. Last evaluated: 2024-10-24. Review status: criteria provided, single submitter. Criteria: ACMG Guidelines, 2015. Collection method: clinical testing. Allele origin: germline.

ARUP Laboratories, Molecular Genetics and Genomics, ARUP Laboratories
Classification: Benign. Last evaluated: 2024-05-22. Review status: criteria provided, single submitter. Criteria: ARUP Molecular Germline Variant Investigation Process 2024. Collection method: clinical testing. Allele origin: germline.

Myriad Genetics, Inc.
Classification: Benign for Familial cancer of breast. Last evaluated: 2023-03-09. Review status: criteria provided, single submitter. Criteria: Myriad Autosomal Dominant, Autosomal Recessive and X-Linked Classification Criteria (2023). Collection method: clinical testing. Allele origin: unknown.
Comment: This variant is considered benign. This variant is strongly associated with less severe personal and family histories of cancer, typical for individuals without pathogenic variants in this gene [PMID: 25085752].

National Health Laboratory Service, Universitas Academic Hospital and University of the Free State
Classification: Benign for Hereditary breast ovarian cancer syndrome. Last evaluated: 2022-04-19. Review status: criteria provided, single submitter. Criteria: ACMG Guidelines, 2015. Collection method: clinical testing. Allele origin: germline. Affected: yes. Observed: 1 variant allele.

Illumina Laboratory Services, Illumina
Classification: Benign for CHEK2-Related Cancer Susceptibility. Last evaluated: 2018-01-13. Review status: criteria provided, single submitter. Criteria: ICSL Variant Classification Criteria 13 December 2019. Collection method: clinical testing. Allele origin: germline.
Comment: This variant was observed in the ICSL laboratory as part of a predisposition screen in an ostensibly healthy population. It had not been previously curated by ICSL or reported in the Human Gene Mutation Database (HGMD: prior to June 1st, 2018), and was therefore a candidate for classification through an automated scoring system. Utilizing variant allele frequency, disease prevalence and penetrance estimates, and inheritance mode, an automated score was calculated to assess if this variant is too frequent to cause the disease. Based on the score and internal cut-off values, a variant classified as benign is not then subjected to further curation. The score for this variant resulted in a classification of benign for this disease.

PreventionGenetics, part of Exact Sciences
Classification: Benign. Last evaluated: 2017-11-13. Review status: criteria provided, single submitter. Criteria: ACMG Guidelines, 2015. Collection method: clinical testing. Allele origin: germline.

Color Diagnostics, LLC DBA Color Health
Classification: Benign for Hereditary cancer-predisposing syndrome. Last evaluated: 2015-08-26. Review status: criteria provided, single submitter. Criteria: ACMG Guidelines, 2015. Collection method: clinical testing. Allele origin: germline.

Ambry Genetics
Classification: Likely benign for Hereditary cancer-predisposing syndrome. Last evaluated: 2015-06-30. Review status: criteria provided, single submitter. Criteria: Ambry Variant Classification Scheme 2023. Collection method: clinical testing. Allele origin: germline.

GeneDx
Classification: Benign. Last evaluated: 2013-10-16. Review status: criteria provided, single submitter. Criteria: GeneDx Variant Classification (06012015). Collection method: clinical testing. Allele origin: germline. Affected: yes.
Comment: This variant is considered likely benign or benign based on one or more of the following criteria: it is a conservative change, it occurs at a poorly conserved position in the protein, it is predicted to be benign by multiple in silico algorithms, and/or has population frequency not consistent with disease.

Counsyl
Classification: Benign for Familial cancer of breast. Last evaluated: 2016-02-09. Review status: no assertion criteria provided. Collection method: clinical testing. Allele origin: unknown. Not counted in ClinVar's aggregate classification.

Clinical Genetics Laboratory, Department of Pathology, Netherlands Cancer Institute
Classification: Benign. Review status: no assertion criteria provided. Collection method: clinical testing. Allele origin: germline. Affected: yes. Study: VKGL Data-share Consensus. Not counted in ClinVar's aggregate classification.

Department of Pathology and Laboratory Medicine, Sinai Health System
Classification: Likely benign for Malignant tumor of breast. Review status: no assertion criteria provided. Collection method: clinical testing. Allele origin: unknown. Affected: yes. Observed: 8 variant alleles. Study: The Canadian Open Genetics Repository (COGR). Not counted in ClinVar's aggregate classification.
Comment: The CHEK2 c.593-14C>T variant was not identified in the literature nor was it identified in the Zhejiang Colon Cancer Database, databases. The variant was identified in dbSNP (ID: rs145754558) as â€šÃ„ÃºWith Likely benign alleleâ€šÃ„Ã¹, ClinVar (as benign by GeneDx, Counsyl), Clinvitae (as benign by ClinVar), databases. The variant was identified in control databases in 752 of 221734 (8 homozygous) chromosomes at a frequency of 0.003 in the following populations: other in 22 of 5482 chromosomes (freq. 0.004), Latino in 1 of 28996 chromosomes (freq. 0.000034), European in 114 of 93630 (1 homozygous) chromosomes (freq. 0.0012), Ashkenazi Jewish in 22 of 9042 chromosomes (freq. 0.0024), East Asian in 128 of 16184 (1 homozygous) chromosomes (freq. 0.008), Finnish in 460 of 22300 (6 homozygous) chromosomes (freq. 0.02),and South Asian in 5 of 25738 chromosomes (freq. 0.0002), increasing the likelihood this could be a low frequency benign variant (Genome Aggregation Consortium Feb 27, 2017). The variant occurs outside of the splicing consensus sequence and in silico or computational prediction software programs (SpliceSiteFinder, MaxEntScan, NNSPLICE, GeneSplicer, HumanSpliceFinder) do not predict a difference in splicing. In summary, based on the above information, the clinical significance of this variant cannot be determined with certainty at this time although we would lean towards a more benign role for this variant. This variant is classified as likely benign.

Joint Genome Diagnostic Labs from Nijmegen and Maastricht, Radboudumc and MUMC+
Classification: Benign. Review status: no assertion criteria provided. Collection method: clinical testing. Allele origin: germline. Affected: yes. Study: VKGL Data-share Consensus. Not counted in ClinVar's aggregate classification.

Literature cited by the submitters: PubMed 25085752 (cited by Myriad Genetics, Inc.).

NM_007194.4(CHEK2):c.593-14C>T

Gene: CHEK2 (checkpoint kinase 2; minus strand). Cytogenetic location: 22q12.1.
Variant type: single nucleotide variant.
Coding change: c.593-14C>T on transcript NM_007194.4 (MANE Select); 14 bases into the intron before coding-DNA position 593, C replaced by T.
Molecular consequence: intron variant.
Genome position (GRCh38, 1-based): chr22:28,719,499, G>A on the plus strand (C>T on the coding strand, the complement: CHEK2 is on the minus strand). VCF-style: chr22-28719499-G-A. GRCh37 (hg19) VCF-style: chr22-29115487-G-A.
Other names: c.-71-14C>T (NM_001437942.1, NM_001257387.3); c.482+5387C>T (NM_001349956.3); c.593-14C>T (NM_145862.3); c.686-14C>T (NM_001438295.1, NM_001438293.1); c.722-14C>T (NM_001438294.1, NM_001005735.3).
Identifiers: ClinVar variation 136742 (VCV000136742.29), dbSNP rs145754558, ClinGen allele CA290068.